The following is an entry in ClinVar:

NM_018685.5(ANLN):c.1065A>C (p.Gln355His)

Gene: ANLN (anillin, actin binding protein; plus strand). Cytogenetic location: 7p14.2.
Variant type: single nucleotide variant.
Coding change: c.1065A>C on transcript NM_018685.5 (MANE Select); coding-DNA position 1065, A replaced by C.
Protein change: p.Gln355His; replaces glutamine 355 with histidine.
Molecular consequence: missense variant.
Genome position (GRCh38, 1-based): chr7:36,407,925, A>C. VCF-style: chr7-36407925-A-C. GRCh37 (hg19) VCF-style: chr7-36447534-A-C.
Other names: c.1065A>C, p.Gln355His (NM_001284301.3, NM_001284302.3); short protein forms Q355H.
Identifiers: ClinVar variation 4769670 (VCV004769670.1).

ClinVar aggregate classification (germline): Uncertain significance (1 of 4 stars; one submission).

gnomAD v4.1: 1 of 1,613,522 alleles (0.000062%); highest among the groups gnomAD compares: African/African-American, 0.0013%; no homozygotes.

Submission:

Labcorp Genetics (formerly Invitae), Labcorp
Classification: Uncertain significance. Last evaluated: 2025-07-08. Review status: criteria provided, single submitter. Criteria: Invitae Variant Classification Sherloc (09022015). Collection method: clinical testing. Allele origin: germline.
Comment: This sequence change replaces glutamine, which is neutral and polar, with histidine, which is basic and polar, at codon 355 of the ANLN protein (p.Gln355His). This variant is present in population databases (no rsID available, gnomAD 0.007%). This variant has not been reported in the literature in individuals affected with ANLN-related conditions. Invitae Evidence Modeling of protein sequence and biophysical properties (such as structural, functional, and spatial information, amino acid conservation, physicochemical variation, residue mobility, and thermodynamic stability) indicates that this missense variant is not expected to disrupt ANLN protein function with a negative predictive value of 80%. In summary, the available evidence is currently insufficient to determine the role of this variant in disease. Therefore, it has been classified as a Variant of Uncertain Significance.